The following is an entry in ClinVar:

ClinVar aggregate classification (germline): Uncertain significance (1 of 4 stars; one submission).

Allele frequency attached by ClinVar (database versions not stated): gnomAD exomes below 0.00001; TOPMed below 0.00001; gnomAD 0.00001.
gnomAD v4.1: 2 of 1,613,582 alleles (0.00012%); highest among the groups gnomAD compares: Admixed American, 0.0017%; no homozygotes.

Submission:

Labcorp Genetics (formerly Invitae), Labcorp
Classification: Uncertain significance. Last evaluated: 2022-10-05. Review status: criteria provided, single submitter. Criteria: Invitae Variant Classification Sherloc (09022015). Collection method: clinical testing. Allele origin: germline.
Comment: In summary, the available evidence is currently insufficient to determine the role of this variant in disease. Therefore, it has been classified as a Variant of Uncertain Significance. Algorithms developed to predict the effect of missense changes on protein structure and function (SIFT, PolyPhen-2, Align-GVGD) all suggest that this variant is likely to be tolerated. This variant has not been reported in the literature in individuals affected with COL4A1-related conditions. This variant is not present in population databases (gnomAD no frequency). This sequence change replaces proline, which is neutral and non-polar, with arginine, which is basic and polar, at codon 643 of the COL4A1 protein (p.Pro643Arg).

NM_001845.6(COL4A1):c.1928C>G (p.Pro643Arg)

Gene: COL4A1 (collagen type IV alpha 1 chain; minus strand). Cytogenetic location: 13q34.
Variant type: single nucleotide variant.
Coding change: c.1928C>G on transcript NM_001845.6 (MANE Select); coding-DNA position 1928, C replaced by G.
Protein change: p.Pro643Arg; replaces proline 643 with arginine.
Molecular consequence: missense variant.
Genome position (GRCh38, 1-based): chr13:110,183,246, G>C on the plus strand (C>G on the coding strand, the complement: COL4A1 is on the minus strand). VCF-style: chr13-110183246-G-C. GRCh37 (hg19) VCF-style: chr13-110835593-G-C.
Other names: short protein forms P643R.
Identifiers: ClinVar variation 1966517 (VCV001966517.5), dbSNP rs1212611640, ClinGen allele CA388722436.